The following is an entry in ClinVar:

ClinVar aggregate classification (germline): Likely pathogenic (1 of 4 stars; one submission).

Submission:

Labcorp Genetics (formerly Invitae), Labcorp
Classification: Likely pathogenic. Last evaluated: 2024-05-25. Review status: criteria provided, single submitter. Criteria: Invitae Variant Classification Sherloc (09022015). Collection method: clinical testing. Allele origin: germline.
Comment: This sequence change creates a premature translational stop signal (p.Tyr625Metfs*52) in the COL10A1 gene. While this is not anticipated to result in nonsense mediated decay, it is expected to disrupt the last 56 amino acid(s) of the COL10A1 protein. This variant is not present in population databases (gnomAD no frequency). This variant has not been reported in the literature in individuals affected with COL10A1-related conditions. This variant is located in a region of the COL10A1 protein where a significant number of COL10A1 nonsense and frameshift mutations have been reported in association with autosomal dominant metaphyseal chondrodysplasia (PMID: 21447328, 33764685, 36400164). In summary, the currently available evidence indicates that the variant is pathogenic, but additional data are needed to prove that conclusively. Therefore, this variant has been classified as Likely Pathogenic.

Literature cited by the submitters: PubMed 21447328; PubMed 33764685; PubMed 36400164.

NM_000493.4(COL10A1):c.1873del (p.Tyr625fs)

Genes: COL10A1 (collagen type X alpha 1 chain; minus strand), NT5DC1 (5'-nucleotidase domain containing 1; plus strand). Cytogenetic location: 6q22.1.
Variant type: Deletion.
Coding change: c.1873del on transcript NM_000493.4 (MANE Select); coding-DNA position 1873, one base deleted (T; older notation c.1873delT).
Protein change: p.Tyr625fs; shifts the reading frame from tyrosine 625.
Molecular consequence: frameshift variant. On other transcripts: intron variant (1).
Genome position (GRCh38, 1-based): chr6:116,120,243, A deleted on the plus strand (T on the coding strand, the reverse complement: COL10A1 is on the minus strand). VCF-style (leftmost placement, unchanged base first): chr6-116120242-TA-T. GRCh37 (hg19) VCF-style: chr6-116441405-TA-T.
Other names: c.1873del, p.Tyr625fs (NM_001424106.1, NM_001424107.1); c.529+2298del (NM_152729.3); short protein forms Y625fs.
Identifiers: ClinVar variation 3653789 (VCV003653789.2).